The following is an entry in ClinVar:

ClinVar aggregate classification (germline): Likely benign. Review status: criteria provided, multiple submitters, no conflicts (2 of 4 stars). 3 submissions from 3 submitters: Likely benign (2). 1 of the submissions does not count toward it. Last evaluated 2025-07-06.

Conditions:
DMXL2-related disorder. Also called: DMXL2-related condition.

Allele frequency attached by ClinVar (database versions not stated): TOPMed 0.00002; gnomAD 0.00003; gnomAD exomes 0.00005; ExAC 0.00012.
gnomAD v4.1: 84 of 1,560,914 alleles (0.0054%); highest among the groups gnomAD compares: Non-Finnish European, 0.0069%; no homozygotes.

Submissions (3):

Labcorp Genetics (formerly Invitae), Labcorp
Classification: Likely benign. Last evaluated: 2025-07-06. Review status: criteria provided, single submitter. Criteria: Invitae Variant Classification Sherloc (09022015). Collection method: clinical testing. Allele origin: germline.

Blueprint Genetics
Classification: Likely benign. Last evaluated: 2024-01-03. Review status: criteria provided, single submitter. Criteria: ACMG Guidelines, 2015. Collection method: clinical testing. Allele origin: germline.

PreventionGenetics, part of Exact Sciences
Classification: Likely benign for DMXL2-related condition. Last evaluated: 2022-07-19. Review status: no assertion criteria provided. Collection method: clinical testing. Allele origin: germline. Not counted in ClinVar's aggregate classification.
Comment: This variant is classified as likely benign based on ACMG/AMP sequence variant interpretation guidelines (Richards et al. 2015 PMID: 25741868, with internal and published modifications).

NM_001378457.1(DMXL2):c.21C>T (p.Leu7=)

Gene: DMXL2 (Dmx like 2; minus strand). Cytogenetic location: 15q21.2.
Variant type: single nucleotide variant.
Coding change: c.21C>T on transcript NM_001378457.1 (MANE Select); coding-DNA position 21, C replaced by T.
Protein change: p.Leu7=; no amino-acid change (leucine 7 retained).
Molecular consequence: synonymous variant. On other transcripts: non-coding transcript variant (2).
Genome position (GRCh38, 1-based): chr15:51,622,525, G>A on the plus strand (C>T on the coding strand, the complement: DMXL2 is on the minus strand). VCF-style: chr15-51622525-G-A. GRCh37 (hg19) VCF-style: chr15-51914722-G-A.
Other names: c.21C>T, p.Leu7= (NM_001174116.3, NM_001174117.3, NM_001378458.1 and 7 more transcripts); c.21C>T (NM_001174116.1).
Identifiers: ClinVar variation 2158490 (VCV002158490.7), dbSNP rs774451049, ClinGen allele CA7562976.